The following is an entry in ClinVar:

NC_000011.10:g.528639C>T

Genes: HRAS (HRas proto-oncogene, GTPase; minus strand), LRRC56 (leucine rich repeat containing 56; plus strand). Cytogenetic location: 11p15.5.
Variant type: single nucleotide variant.
Genome position: GRCh38 VCF-style: chr11-528639-C-T. GRCh37 (hg19) VCF-style: chr11-528639-C-T.
Identifiers: ClinVar variation 2641054 (VCV002641054.24), dbSNP rs754990646, ClinGen allele CA216940515.

ClinVar aggregate classification (germline): Likely benign (1 of 4 stars; one submission).

Allele frequency attached by ClinVar (database versions not stated): gnomAD 0.00109; TOPMed 0.00112.
gnomAD v4.1: 164 of 152,326 alleles (0.11%); highest among the groups gnomAD compares: Middle Eastern, 0.34%; 1 homozygote.

Submission:

CeGaT Center for Human Genetics Tuebingen
Classification: Likely benign. Last evaluated: 2023-01-01. Review status: criteria provided, single submitter. Criteria: CeGaT Center For Human Genetics Tuebingen Variant Classification Criteria Version 2. Collection method: clinical testing. Allele origin: germline. Affected: yes. Observed: 5 variant alleles.
Comment: HRAS: BS1